The following is an entry in ClinVar:

NM_000186.4(CFH):c.2161G>A (p.Glu721Lys)

Gene: CFH (complement factor H; plus strand). Cytogenetic location: 1q31.3.
Variant type: single nucleotide variant.
Coding change: c.2161G>A on transcript NM_000186.4 (MANE Select); coding-DNA position 2161, G replaced by A.
Protein change: p.Glu721Lys; replaces glutamic acid 721 with lysine.
Molecular consequence: missense variant.
Genome position (GRCh38, 1-based): chr1:196,726,865, G>A. VCF-style: chr1-196726865-G-A. GRCh37 (hg19) VCF-style: chr1-196695995-G-A.
Other names: short protein forms E721K.
Identifiers: ClinVar variation 2976213 (VCV002976213.4), dbSNP rs774463487, ClinGen allele CA1305590.

ClinVar aggregate classification (germline): Uncertain significance. Review status: criteria provided, multiple submitters, no conflicts (2 of 4 stars). 2 submissions from 2 submitters: Uncertain significance (2). Last evaluated 2025-09-10.

Conditions:
Factor H deficiency (CFHD). Also called: COMPLEMENT FACTOR H DEFICIENCY; CFH DEFICIENCY. Identifiers: Orphanet 200421, MedGen C0398777, MONDO:0012350, OMIM 609814.

Allele frequency attached by ClinVar (database versions not stated): TOPMed below 0.00001; gnomAD exomes 0.00001; ExAC 0.00002.
gnomAD v4.1: 9 of 1,613,636 alleles (0.00056%); highest among the groups gnomAD compares: South Asian, 0.0055%; no homozygotes.

Submissions (2):

Genomic Medicine Center of Excellence, King Faisal Specialist Hospital and Research Centre
Classification: Uncertain significance for Factor H deficiency. Last evaluated: 2025-09-10. Review status: criteria provided, single submitter. Criteria: ACMG Guidelines, 2015. Collection method: clinical testing. Allele origin: germline.

Labcorp Genetics (formerly Invitae), Labcorp
Classification: Uncertain significance. Last evaluated: 2024-10-22. Review status: criteria provided, single submitter. Criteria: Invitae Variant Classification Sherloc (09022015). Collection method: clinical testing. Allele origin: germline.
Comment: This sequence change replaces glutamic acid, which is acidic and polar, with lysine, which is basic and polar, at codon 721 of the CFH protein (p.Glu721Lys). This variant is present in population databases (rs774463487, gnomAD 0.003%). This variant has not been reported in the literature in individuals affected with CFH-related conditions. An algorithm developed to predict the effect of missense changes on protein structure and function (PolyPhen-2) suggests that this variant is likely to be tolerated. In summary, the available evidence is currently insufficient to determine the role of this variant in disease. Therefore, it has been classified as a Variant of Uncertain Significance.